The following is an entry in ClinVar:

NM_003024.3(ITSN1):c.136A>G (p.Asn46Asp)

Gene: ITSN1 (intersectin 1; plus strand). Cytogenetic location: 21q22.11.
Variant type: single nucleotide variant.
Coding change: c.136A>G on transcript NM_003024.3 (MANE Select); coding-DNA position 136, A replaced by G.
Protein change: p.Asn46Asp; replaces asparagine 46 with aspartic acid.
Molecular consequence: missense variant.
Genome position (GRCh38, 1-based): chr21:33,722,602, A>G. VCF-style: chr21-33722602-A-G. GRCh37 (hg19) VCF-style: chr21-35094907-A-G.
Other names: c.136A>G, p.Asn46Asp (NM_001001132.2, NM_001331008.2, NM_001331009.2 and 3 more transcripts); short protein forms N46D.
Identifiers: ClinVar variation 4795632 (VCV004795632.1).
Genomic context (GRCh38, chr21:33,722,602, plus strand): 5'-TTGTTTTTTTTTTTTTTTCCTGAAACTTTTTCTGTTTAATTTACAGGTGATCAAGCTAGA[A>G]ACTTTTTTTTTCAATCTGGGTTACCTCAACCTGTTTTAGCACAGATATGGTAAGTTGGAA-3'
Protein context (NP_003015.2, residues 36-56): SGFITGDQAR[Asn46Asp]FFFQSGLPQP

ClinVar aggregate classification (germline): Uncertain significance (1 of 4 stars; one submission).

gnomAD v4.1: 2 of 1,577,894 alleles (0.00013%); highest among the groups gnomAD compares: East Asian, 0.0023%; no homozygotes.

Submission:

GeneDx
Classification: Uncertain significance. Last evaluated: 2025-08-13. Review status: criteria provided, single submitter. Criteria: GeneDx Variant Classification Process June 2021. Collection method: clinical testing. Allele origin: germline. Affected: yes.
Comment: Not observed at significant frequency in large population cohorts (gnomAD); In silico analysis supports that this missense variant has a deleterious effect on protein structure/function; Has not been previously published as pathogenic or benign to our knowledge